The following is an entry in ClinVar:

NM_004369.4(COL6A3):c.5113G>A (p.Ala1705Thr)

Gene: COL6A3 (collagen type VI alpha 3 chain; minus strand). Cytogenetic location: 2q37.3.
Variant type: single nucleotide variant.
Coding change: c.5113G>A on transcript NM_004369.4 (MANE Select); coding-DNA position 5113, G replaced by A.
Protein change: p.Ala1705Thr; replaces alanine 1705 with threonine.
Molecular consequence: missense variant.
Genome position (GRCh38, 1-based): chr2:237,367,074, C>T on the plus strand (G>A on the coding strand, the complement: COL6A3 is on the minus strand). VCF-style: chr2-237367074-C-T. GRCh37 (hg19) VCF-style: chr2-238275717-C-T.
Other names: c.3292G>A, p.Ala1098Thr (NM_057166.5); c.4495G>A, p.Ala1499Thr (NM_057167.4); short protein forms A1705T, A1499T, A1098T.
Identifiers: ClinVar variation 282812 (VCV000282812.15), dbSNP rs886042488, ClinGen allele CA10604304.

ClinVar aggregate classification (germline): Uncertain significance. Review status: criteria provided, multiple submitters, no conflicts (2 of 4 stars). 3 submissions from 3 submitters: Uncertain significance (3). Last evaluated 2025-08-18.

Conditions:
Bethlem myopathy 1A. Also called: Bethlem myopathy 1; MYOPATHY, BENIGN CONGENITAL, WITH CONTRACTURES; Bethlem Muscular Dystrophy. Identifiers: Orphanet 610, MedGen CN029274, MONDO:0024530, OMIM 158810.

Allele frequency attached by ClinVar (database versions not stated): gnomAD 0.00001; gnomAD exomes 0.00001.
gnomAD v4.1: 19 of 1,614,074 alleles (0.0012%); highest among the groups gnomAD compares: East Asian, 0.0045%; no homozygotes.

Submissions (3):

Labcorp Genetics (formerly Invitae), Labcorp
Classification: Uncertain significance for Bethlem myopathy 1A. Last evaluated: 2025-08-18. Review status: criteria provided, single submitter. Criteria: Invitae Variant Classification Sherloc (09022015). Collection method: clinical testing. Allele origin: germline.
Comment: This sequence change replaces alanine, which is neutral and non-polar, with threonine, which is neutral and polar, at codon 1705 of the COL6A3 protein (p.Ala1705Thr). This variant is present in population databases (no rsID available, gnomAD 0.006%). This variant has not been reported in the literature in individuals affected with COL6A3-related conditions. ClinVar contains an entry for this variant (Variation ID: 282812). Invitae Evidence Modeling of protein sequence and biophysical properties (such as structural, functional, and spatial information, amino acid conservation, physicochemical variation, residue mobility, and thermodynamic stability) indicates that this missense variant is expected to disrupt COL6A3 protein function with a positive predictive value of 80%. In summary, the available evidence is currently insufficient to determine the role of this variant in disease. Therefore, it has been classified as a Variant of Uncertain Significance.

Women's Health and Genetics/Laboratory Corporation of America, LabCorp
Classification: Uncertain significance. Last evaluated: 2025-06-15. Review status: criteria provided, single submitter. Criteria: LabCorp Variant Classification Summary - May 2015. Collection method: clinical testing. Allele origin: germline.
Comment: Variant summary: COL6A3 c.5113G>A (p.Ala1705Thr) results in a non-conservative amino acid change in the encoded protein sequence. Algorithms developed to predict the effect of missense changes on protein structure and function all suggest that this variant is likely to be disruptive. The variant allele was found at a frequency of 1.2e-05 in 251358 control chromosomes. The available data on variant occurrences in the general population are insufficient to allow any conclusion about variant significance. To our knowledge, no occurrence of c.5113G>A in individuals affected with Ullrich congenital muscular dystrophy 1-AR and no experimental evidence demonstrating its impact on protein function have been reported. ClinVar contains an entry for this variant (Variation ID: 282812). Based on the evidence outlined above, the variant was classified as uncertain significance.

Eurofins Ntd Llc (ga)
Classification: Uncertain significance. Last evaluated: 2015-08-17. Review status: criteria provided, single submitter. Criteria: EGL Classification Definitions 2015. Collection method: clinical testing. Allele origin: germline. Observed: 1 variant allele, 1 heterozygote.